The following is an entry in ClinVar:

ClinVar aggregate classification (germline): Uncertain significance (1 of 4 stars; one submission).

Submission:

Athena Diagnostics
Classification: Uncertain significance. Last evaluated: 2022-12-08. Review status: criteria provided, single submitter. Criteria: Athena Diagnostics Criteria. Collection method: clinical testing. Allele origin: unknown.
Comment: Available data are insufficient to determine the clinical significance of the variant at this time. This variant has been identified in at least one individual with clinical features associated with this gene. This variant has not been reported in large, multi-ethnic general populations. Computational tools predict that this variant is damaging. The variant is located in a region that is considered important for protein function and/or structure.

NM_002739.5(PRKCG):c.425G>A (p.Cys142Tyr)

Gene: PRKCG (protein kinase C gamma; plus strand). Cytogenetic location: 19q13.42.
Variant type: single nucleotide variant.
Coding change: c.425G>A on transcript NM_002739.5 (MANE Select); coding-DNA position 425, G replaced by A.
Protein change: p.Cys142Tyr; replaces cysteine 142 with tyrosine.
Molecular consequence: missense variant.
Genome position (GRCh38, 1-based): chr19:53,889,913, G>A. VCF-style: chr19-53889913-G-A. GRCh37 (hg19) VCF-style: chr19-54393167-G-A.
Other names: c.425G>A, p.Cys142Tyr (NM_001316329.2); short protein forms C142Y.
Identifiers: ClinVar variation 2684341 (VCV002684341.1), dbSNP rs2514553989, ClinGen allele CA407414395.
Genomic context (GRCh38, chr19:53,889,913, plus strand): 5'-GCCTGAGGTGCTACCCGCAGCTTTCCCCTCCAGGCTGCGAGATGAACGTGCACCGGCGCT[G>A]TGTGCGTAGCGTGCCCTCCCTGTGCGGTGTGGACCACACCGAGCGCCGCGGGCGCCTGCA-3'
Protein context (NP_002730.1, residues 132-152): SCCEMNVHRR[Cys142Tyr]VRSVPSLCGV